The following is an entry in ClinVar:

NM_018249.6(CDK5RAP2):c.4320T>A (p.Ser1440=)

Gene: CDK5RAP2 (CDK5 regulatory subunit associated protein 2; minus strand). Cytogenetic location: 9q33.2.
Variant type: single nucleotide variant.
Coding change: c.4320T>A on transcript NM_018249.6 (MANE Select); coding-DNA position 4320, T replaced by A.
Protein change: p.Ser1440=; no amino-acid change (serine 1440 retained).
Molecular consequence: synonymous variant. On other transcripts: non-coding transcript variant (5).
Genome position (GRCh38, 1-based): chr9:120,411,452, A>T on the plus strand (T>A on the coding strand, the complement: CDK5RAP2 is on the minus strand). VCF-style: chr9-120411452-A-T. GRCh37 (hg19) VCF-style: chr9-123173730-A-T.
Other names: c.4320T>A, p.Ser1440= (NM_001011649.3); c.3630T>A, p.Ser1210= (NM_001272039.2).
Identifiers: ClinVar variation 726356 (VCV000726356.12), dbSNP rs140436216, ClinGen allele CA5213583.

ClinVar aggregate classification (germline): Likely benign. Review status: criteria provided, multiple submitters, no conflicts (2 of 4 stars). 3 submissions from 3 submitters: Likely benign (2). 1 of the submissions does not count toward it. Last evaluated 2025-08-07.

Conditions:
CDK5RAP2-related disorder. Also called: CDK5RAP2-related condition.

Allele frequency attached by ClinVar (database versions not stated): gnomAD exomes 0.00013; ExAC 0.00018; gnomAD 0.00056 and 0.00063; ESP Exome Variant Server 0.00069; TOPMed 0.00076.
gnomAD v4.1: 177 of 1,609,738 alleles (0.011%); highest among the groups gnomAD compares: African/African-American, 0.2%; no homozygotes.

Submissions (3):

Labcorp Genetics (formerly Invitae), Labcorp
Classification: Likely benign. Last evaluated: 2025-08-07. Review status: criteria provided, single submitter. Criteria: Invitae Variant Classification Sherloc (09022015). Collection method: clinical testing. Allele origin: germline.

GeneDx
Classification: Likely benign. Last evaluated: 2019-10-16. Review status: criteria provided, single submitter. Criteria: GeneDx Variant Classification Process June 2021. Collection method: clinical testing. Allele origin: germline. Affected: yes.

PreventionGenetics, part of Exact Sciences
Classification: Likely benign for CDK5RAP2-related condition. Last evaluated: 2022-05-17. Review status: no assertion criteria provided. Collection method: clinical testing. Allele origin: germline. Not counted in ClinVar's aggregate classification.
Comment: This variant is classified as likely benign based on ACMG/AMP sequence variant interpretation guidelines (Richards et al. 2015 PMID: 25741868, with internal and published modifications).